The following is an entry in ClinVar:

NM_001365951.3(KIF1B):c.5080G>A (p.Glu1694Lys)

Gene: KIF1B (kinesin family member 1B; plus strand). Cytogenetic location: 1p36.22.
Variant type: single nucleotide variant.
Coding change: c.5080G>A on transcript NM_001365951.3 (MANE Select); coding-DNA position 5080, G replaced by A.
Protein change: p.Glu1694Lys; replaces glutamic acid 1694 with lysine.
Molecular consequence: missense variant.
Genome position (GRCh38, 1-based): chr1:10,374,449, G>A. VCF-style: chr1-10374449-G-A. GRCh37 (hg19) VCF-style: chr1-10434507-G-A.
Other names: c.5080G>A, p.Glu1694Lys (NM_001365952.1); c.4942G>A, p.Glu1648Lys (NM_015074.3); short protein forms E1648K, E1694K.
Identifiers: ClinVar variation 1744287 (VCV001744287.6), dbSNP rs1288392206, ClinGen allele CA338329804.
Genomic context (GRCh38, chr1:10,374,449, plus strand): 5'-GAAACACCATATTTGGCCCGAGCAGGAAAAAACGAATTTCTCAATCTTGTTCCAGATATT[G>A]AAGAAATTAGACCAAGGTGAGTACTATATTGAGCAGGAATGCCAGCTATAAAAAACAAAT-3'
Protein context (NP_001352880.1, residues 1684-1704): NEFLNLVPDI[Glu1694Lys]EIRPSSVVSK

ClinVar aggregate classification (germline): Uncertain significance. Review status: criteria provided, multiple submitters, no conflicts (2 of 4 stars). 2 submissions from 2 submitters: Uncertain significance (2). Last evaluated 2025-01-02.

Conditions:
Charcot-Marie-Tooth disease type 2. Also called: Charcot-Marie-Tooth type 2. Identifiers: Orphanet 64746, MedGen C0270914, MONDO:0018993.

Allele frequency attached by ClinVar (database versions not stated): gnomAD exomes below 0.00001.
gnomAD v4.1: 2 of 1,614,228 alleles (0.00012%); highest among the groups gnomAD compares: Admixed American, 0.0033%; no homozygotes.

Submissions (2):

Labcorp Genetics (formerly Invitae), Labcorp
Classification: Uncertain significance for Charcot-Marie-Tooth disease type 2. Last evaluated: 2025-01-02. Review status: criteria provided, single submitter. Criteria: Invitae Variant Classification Sherloc (09022015). Collection method: clinical testing. Allele origin: germline.
Comment: This sequence change replaces glutamic acid, which is acidic and polar, with lysine, which is basic and polar, at codon 1648 of the KIF1B protein (p.Glu1648Lys). This variant is present in population databases (no rsID available, gnomAD 0.006%). This variant has not been reported in the literature in individuals affected with KIF1B-related conditions. ClinVar contains an entry for this variant (Variation ID: 1744287). An algorithm developed to predict the effect of missense changes on protein structure and function (PolyPhen-2) suggests that this variant is likely to be disruptive. In summary, the available evidence is currently insufficient to determine the role of this variant in disease. Therefore, it has been classified as a Variant of Uncertain Significance.

Ambry Genetics
Classification: Uncertain significance. Last evaluated: 2024-07-05. Review status: criteria provided, single submitter. Criteria: Ambry Variant Classification Scheme 2023. Collection method: clinical testing. Allele origin: germline.
Comment: The p.E1648K variant (also known as c.4942G>A), located in coding exon 43 of the KIF1B gene, results from a G to A substitution at nucleotide position 4942. The glutamic acid at codon 1648 is replaced by lysine, an amino acid with similar properties. This amino acid position is conserved. In addition, this alteration is predicted to be deleterious by in silico analysis. Since supporting evidence is limited at this time, the clinical significance of this alteration remains unclear.